The following is an entry in ClinVar:

NM_000059.4(BRCA2):c.8981C>T (p.Ser2994Leu)

Gene: BRCA2 (BRCA2 DNA repair associated; plus strand). Cytogenetic location: 13q13.1.
Variant type: single nucleotide variant.
Coding change: c.8981C>T on transcript NM_000059.4 (MANE Select); coding-DNA position 8981, C replaced by T.
Protein change: p.Ser2994Leu; replaces serine 2994 with leucine.
Molecular consequence: missense variant.
Genome position (GRCh38, 1-based): chr13:32,379,777, C>T. VCF-style: chr13-32379777-C-T. GRCh37 (hg19) VCF-style: chr13-32953914-C-T.
Other names: short protein forms S2994L.
Identifiers: ClinVar variation 584513 (VCV000584513.18), dbSNP rs1566253076, ClinGen allele CA387757408.

ClinVar aggregate classification (germline): Uncertain significance. Review status: criteria provided, multiple submitters, no conflicts (2 of 4 stars). 4 submissions from 4 submitters: Uncertain significance (4). Last evaluated 2025-09-23.

Conditions:
Hereditary breast ovarian cancer syndrome. Also called: Hereditary breast and ovarian cancer syndrome; Hereditary breast and/or ovarian cancer syndrome; Hereditary breast and ovarian cancer syndrome (HBOC); Breast and ovarian cancer; BRCA1- and BRCA2-Associated Hereditary Breast and Ovarian Cancer; Hereditary breast and ovarian cancer. Identifiers: Orphanet 145, MedGen C0677776, MeSH D061325, MONDO:0003582. Disease mechanism: loss of function.
Hereditary cancer-predisposing syndrome. Also called: Neoplastic Syndromes, Hereditary; Hereditary Cancer Syndrome; Tumor predisposition; Hereditary neoplastic syndrome. Identifiers: Orphanet 140162, MedGen C0027672, MeSH D009386, MONDO:0015356.

Submissions (4):

Ambry Genetics
Classification: Uncertain significance for Hereditary cancer-predisposing syndrome. Last evaluated: 2025-09-23. Review status: criteria provided, single submitter. Criteria: Ambry Variant Classification Scheme 2023. Collection method: clinical testing. Allele origin: germline.
Comment: The p.S2994L variant (also known as c.8981C>T), located in coding exon 22 of the BRCA2 gene, results from a C to T substitution at nucleotide position 8981. The serine at codon 2994 is replaced by leucine, an amino acid with dissimilar properties. A saturation genome editing-based study using a haploid cell-survival assay demonstrates that this nucleotide substitution is non-functional (Huang H et al. Nature. 2025 Feb;638(8050):528-537). Another saturation genome editing-based study using a humanized mouse embryonic stem cell line assay of drug response and survival reports the functional impact of this variant as uncertain (Sahu S et al. Nature. 2025 Feb;638(8050):538-545). This amino acid position is not well conserved in available vertebrate species. In addition, the in silico prediction for this alteration is inconclusive. Based on the available evidence, the clinical significance of this variant remains unclear.

GeneDx
Classification: Uncertain significance. Last evaluated: 2023-06-05. Review status: criteria provided, single submitter. Criteria: GeneDx Variant Classification Process June 2021. Collection method: clinical testing. Allele origin: germline. Affected: yes.
Comment: Not observed at significant frequency in large population cohorts (gnomAD); In silico analysis supports that this missense variant does not alter protein structure/function; In silico analysis is inconclusive as to whether the variant alters gene splicing. In the absence of RNA/functional studies, the actual effect of this sequence change is unknown; Observed in an individual undergoing hereditary cancer panel testing (Tsaousis et al., 2019); Also known as 9209C>T; This variant is associated with the following publications: (PMID: 31911673, 12228710, 31159747)

Labcorp Genetics (formerly Invitae), Labcorp
Classification: Uncertain significance for Hereditary breast ovarian cancer syndrome. Last evaluated: 2023-02-06. Review status: criteria provided, single submitter. Criteria: Invitae Variant Classification Sherloc (09022015). Collection method: clinical testing. Allele origin: germline.
Comment: Algorithms developed to predict the effect of sequence changes on RNA splicing suggest that this variant may disrupt the consensus splice site. Advanced modeling of protein sequence and biophysical properties (such as structural, functional, and spatial information, amino acid conservation, physicochemical variation, residue mobility, and thermodynamic stability) performed at Invitae indicates that this missense variant is not expected to disrupt BRCA2 protein function. ClinVar contains an entry for this variant (Variation ID: 584513). This missense change has been observed in individual(s) with BRCA2-related conditions (PMID: 31159747). This variant is not present in population databases (gnomAD no frequency). This sequence change replaces serine, which is neutral and polar, with leucine, which is neutral and non-polar, at codon 2994 of the BRCA2 protein (p.Ser2994Leu). In summary, the available evidence is currently insufficient to determine the role of this variant in disease. Therefore, it has been classified as a Variant of Uncertain Significance.

GeneKor MSA
Classification: Uncertain significance for Hereditary cancer-predisposing syndrome. Last evaluated: 2018-08-01. Review status: criteria provided, single submitter. Criteria: ACMG Guidelines, 2015. Collection method: clinical testing. Allele origin: germline. Affected: yes.

Literature cited by the submitters: PubMed 39779848 (cited by Ambry Genetics); PubMed 39779857 (cited by Ambry Genetics); PubMed 31159747 (cited by Labcorp Genetics (formerly Invitae), Labcorp).